The following is an entry in ClinVar:

ClinVar aggregate classification (germline): Uncertain significance (1 of 4 stars; one submission).

Allele frequency attached by ClinVar (database versions not stated): TOPMed 0.00001; gnomAD 0.00002.
gnomAD v4.1: 3 of 1,604,100 alleles (0.00019%); highest among the groups gnomAD compares: African/African-American, 0.004%; no homozygotes.

Submission:

Labcorp Genetics (formerly Invitae), Labcorp
Classification: Uncertain significance. Last evaluated: 2024-06-26. Review status: criteria provided, single submitter. Criteria: Invitae Variant Classification Sherloc (09022015). Collection method: clinical testing. Allele origin: germline.
Comment: This sequence change replaces histidine, which is basic and polar, with arginine, which is basic and polar, at codon 978 of the LAMC3 protein (p.His978Arg). This variant is present in population databases (no rsID available, gnomAD 0.01%). This variant has not been reported in the literature in individuals affected with LAMC3-related conditions. ClinVar contains an entry for this variant (Variation ID: 1502103). Algorithms developed to predict the effect of missense changes on protein structure and function output the following: SIFT: "Not Available"; PolyPhen-2: "Benign"; Align-GVGD: "Not Available". The arginine amino acid residue is found in multiple mammalian species, which suggests that this missense change does not adversely affect protein function. In summary, the available evidence is currently insufficient to determine the role of this variant in disease. Therefore, it has been classified as a Variant of Uncertain Significance.

NM_006059.4(LAMC3):c.2933A>G (p.His978Arg)

Gene: LAMC3 (laminin subunit gamma 3; plus strand). Cytogenetic location: 9q34.12.
Variant type: single nucleotide variant.
Coding change: c.2933A>G on transcript NM_006059.4 (MANE Select); coding-DNA position 2933, A replaced by G.
Protein change: p.His978Arg; replaces histidine 978 with arginine.
Molecular consequence: missense variant.
Genome position (GRCh38, 1-based): chr9:131,069,714, A>G. VCF-style: chr9-131069714-A-G. GRCh37 (hg19) VCF-style: chr9-133945101-A-G.
Other names: short protein forms H978R.
Identifiers: ClinVar variation 1502103 (VCV001502103.8), dbSNP rs1402669472, ClinGen allele CA375255376.
Genomic context (GRCh38, chr9:131,069,714, plus strand): 5'-TGCCCCTGGCCCCTCTAGCCTGCAGGTGCTCCCCACTGGGCGCTGCCTCGGCCCAGTGCC[A>G]CGAGAACGGCACATGCGTGTGCAGGCCTGGCTTCGAGGGCTACAAATGTGACCGCTGCCA-3'
Protein context (NP_006050.3, residues 968-988): SPLGAASAQC[His978Arg]ENGTCVCRPG